The following is an entry in ClinVar:

ClinVar aggregate classification (germline): Uncertain significance (0 of 4 stars; one submission).

Conditions:
AMER1-related disorder. Also called: AMER1-related condition.

Submission:

PreventionGenetics, part of Exact Sciences
Classification: Uncertain significance for AMER1-related condition. Last evaluated: 2024-03-08. Review status: no assertion criteria provided. Collection method: clinical testing. Allele origin: germline.
Comment: The AMER1 c.2951C>A variant is predicted to result in the amino acid substitution p.Ser984Tyr. To our knowledge, this variant has not been reported in the literature or in a large population database, indicating this variant is rare. At this time, the clinical significance of this variant is uncertain due to the absence of conclusive functional and genetic evidence.

NM_152424.4(AMER1):c.2951C>A (p.Ser984Tyr)

Gene: AMER1 (APC membrane recruitment protein 1; minus strand). Cytogenetic location: Xq11.2.
Variant type: single nucleotide variant.
Coding change: c.2951C>A on transcript NM_152424.4 (MANE Select); coding-DNA position 2951, C replaced by A.
Protein change: p.Ser984Tyr; replaces serine 984 with tyrosine.
Molecular consequence: missense variant.
Genome position (GRCh38, 1-based): chrX:64,190,336, G>T on the plus strand (C>A on the coding strand, the complement: AMER1 is on the minus strand). VCF-style: chrX-64190336-G-T. GRCh37 (hg19) VCF-style: chrX-63410216-G-T.
Other names: short protein forms S984Y.
Identifiers: ClinVar variation 3348515 (VCV003348515.1).